The following is an entry in ClinVar:

ClinVar aggregate classification (germline): Uncertain significance (1 of 4 stars; one submission).

Allele frequency attached by ClinVar (database versions not stated): gnomAD exomes 0.00001; TOPMed 0.00001 and below 0.00001; ExAC 0.00001.
gnomAD v4.1: 20 of 1,613,926 alleles (0.0012%); highest among the groups gnomAD compares: Non-Finnish European, 0.0015%; no homozygotes.

Submission:

Laboratory for Molecular Medicine, Mass General Brigham Personalized Medicine
Classification: Uncertain significance. Last evaluated: 2014-03-14. Review status: criteria provided, single submitter. Criteria: LMM Criteria. Collection method: clinical testing. Allele origin: germline. Observed: 1 variant allele.
Comment: The Gly33398Asp variant in TTN has not been previously reported in individuals w ith cardiomyopathy or in large population studies. Computational prediction too ls and conservation analyses do not provide strong support for or against an imp act to the protein. In summary, additional information is needed to fully assess the clinical significance of the GLy33398Asp variant.

NM_001267550.2(TTN):c.107897G>A (p.Gly35966Asp)

Genes: TTN (titin; minus strand), TTN-AS1 (TTN antisense RNA 1; plus strand). Cytogenetic location: 2q31.2.
Variant type: single nucleotide variant.
Coding change: c.107897G>A on transcript NM_001267550.2 (MANE Select); coding-DNA position 107897, G replaced by A.
Protein change: p.Gly35966Asp; replaces glycine 35966 with aspartic acid.
Molecular consequence: missense variant.
Genome position (GRCh38, 1-based): chr2:178,527,091, C>T on the plus strand (G>A on the coding strand, the complement: TTN is on the minus strand). VCF-style: chr2-178527091-C-T. GRCh37 (hg19) VCF-style: chr2-179391818-C-T.
Other names: c.100193G>A, p.Gly33398Asp (NM_133378.4); c.102974G>A, p.Gly34325Asp (NM_001256850.1); c.80702G>A, p.Gly26901Asp (NM_003319.4); c.81077G>A, p.Gly27026Asp (NM_133432.3); c.81278G>A, p.Gly27093Asp (NM_133437.4); short protein forms G33398D, G35966D, G26901D, G27026D, G34325D, G27093D.
Identifiers: ClinVar variation 179634 (VCV000179634.5), dbSNP rs727505008, ClinGen allele CA184814.